The following is an entry in ClinVar:

NM_002662.5(PLD1):c.2749C>T (p.Arg917Cys)

Gene: PLD1 (phospholipase D1; minus strand). Cytogenetic location: 3q26.31.
Variant type: single nucleotide variant.
Coding change: c.2749C>T on transcript NM_002662.5 (MANE Select); coding-DNA position 2749, C replaced by T.
Protein change: p.Arg917Cys; replaces arginine 917 with cysteine.
Molecular consequence: missense variant.
Genome position (GRCh38, 1-based): chr3:171,612,412, G>A on the plus strand (C>T on the coding strand, the complement: PLD1 is on the minus strand). VCF-style: chr3-171612412-G-A. GRCh37 (hg19) VCF-style: chr3-171330202-G-A.
Other names: c.2635C>T, p.Arg879Cys (NM_001130081.3); short protein forms R879C, R917C.
Identifiers: ClinVar variation 4536220 (VCV004536220.1).

ClinVar aggregate classification (germline): Uncertain significance (1 of 4 stars; one submission).

Submission:

GeneDx
Classification: Uncertain significance. Last evaluated: 2025-06-08. Review status: criteria provided, single submitter. Criteria: GeneDx Variant Classification Process June 2021. Collection method: clinical testing. Allele origin: germline. Affected: yes.
Comment: In silico analysis supports that this missense variant has a deleterious effect on protein structure/function; Has not been previously published as pathogenic or benign to our knowledge